The following is an entry in ClinVar:

ClinVar aggregate classification (germline): Uncertain significance (1 of 4 stars; one submission).

gnomAD v4.1: 8 of 1,211,552 alleles (0.00066%); highest among the groups gnomAD compares: Non-Finnish European, 0.00089%; no homozygotes.

Submission:

CeGaT Center for Human Genetics Tuebingen
Classification: Uncertain significance. Last evaluated: 2026-08-01. Review status: criteria provided, single submitter. Criteria: CeGaT Center For Human Genetics Tuebingen Variant Classification Criteria Version 2. Collection method: clinical testing. Allele origin: germline. Affected: yes. Observed: 1 variant allele.
Comment: PCDH19: PM2:Supporting, BP4

NM_001184880.2(PCDH19):c.3263C>T (p.Ala1088Val)

Gene: PCDH19 (protocadherin 19; minus strand). Cytogenetic location: Xq22.1.
Variant type: single nucleotide variant.
Coding change: c.3263C>T on transcript NM_001184880.2 (MANE Select); coding-DNA position 3263, C replaced by T.
Protein change: p.Ala1088Val; replaces alanine 1088 with valine.
Molecular consequence: missense variant.
Genome position (GRCh38, 1-based): chrX:100,296,461, G>A on the plus strand (C>T on the coding strand, the complement: PCDH19 is on the minus strand). VCF-style: chrX-100296461-G-A. GRCh37 (hg19) VCF-style: chrX-99551459-G-A.
Other names: c.3122C>T, p.Ala1041Val (NM_001105243.2); c.3119C>T, p.Ala1040Val (NM_020766.3); short protein forms A1040V, A1041V, A1088V.
Identifiers: ClinVar variation 5039091 (VCV005039091.1).